The following is an entry in ClinVar:

ClinVar aggregate classification (germline): Uncertain significance (1 of 4 stars; one submission).

Conditions:
Polyglucosan body myopathy type 1 (PGBM1). Also called: Polyglucosan body myopathy 1 with or without immunodeficiency; POLYGLUCOSAN BODY MYOPATHY WITHOUT IMMUNODEFICIENCY. Identifiers: Orphanet 329173, Orphanet 397937, MedGen C4014605, MONDO:0014389, OMIM 615895.

Allele frequency attached by ClinVar (database versions not stated): gnomAD exomes below 0.00001; ExAC 0.00001.
gnomAD v4.1: 2 of 1,614,130 alleles (0.00012%); highest among the groups gnomAD compares: Admixed American, 0.0017%; no homozygotes.

Submission:

Labcorp Genetics (formerly Invitae), Labcorp
Classification: Uncertain significance for Polyglucosan body myopathy type 1. Last evaluated: 2023-08-24. Review status: criteria provided, single submitter. Criteria: Invitae Variant Classification Sherloc (09022015). Collection method: clinical testing. Allele origin: germline.
Comment: In summary, the available evidence is currently insufficient to determine the role of this variant in disease. Therefore, it has been classified as a Variant of Uncertain Significance. Advanced modeling of protein sequence and biophysical properties (such as structural, functional, and spatial information, amino acid conservation, physicochemical variation, residue mobility, and thermodynamic stability) performed at Invitae indicates that this missense variant is not expected to disrupt RBCK1 protein function. ClinVar contains an entry for this variant (Variation ID: 1443048). This variant has not been reported in the literature in individuals affected with RBCK1-related conditions. This variant is present in population databases (rs756720324, gnomAD 0.003%). This sequence change replaces glutamic acid, which is acidic and polar, with alanine, which is neutral and non-polar, at codon 48 of the RBCK1 protein (p.Glu48Ala).

NM_031229.4(RBCK1):c.143A>C (p.Glu48Ala)

Gene: RBCK1 (RANBP2-type and C3HC4-type zinc finger containing 1; plus strand). Cytogenetic location: 20p13.
Variant type: single nucleotide variant.
Coding change: c.143A>C on transcript NM_031229.4 (MANE Select); coding-DNA position 143, A replaced by C.
Protein change: p.Glu48Ala; replaces glutamic acid 48 with alanine.
Molecular consequence: missense variant. On other transcripts: 5 prime UTR variant (1), non-coding transcript variant (1), intron variant (2).
Genome position (GRCh38, 1-based): chr20:410,001, A>C. VCF-style: chr20-410001-A-C. GRCh37 (hg19) VCF-style: chr20-390645-A-C.
Other names: c.-207A>C (NM_001323956.2); c.143A>C, p.Glu48Ala (NM_001323960.2); c.41+1222A>C (NM_006462.6); c.-183+1222A>C (NM_001323958.2); short protein forms E48A.
Identifiers: ClinVar variation 1443048 (VCV001443048.6), dbSNP rs756720324, ClinGen allele CA9722886.
Genomic context (GRCh38, chr20:410,001, plus strand): 5'-TGAAGTGTGCCATCTGGCTGGCAGAGCAACGGGTGCCCCTGAGTGTGCAACTGAAGCCTG[A>C]GGTCTCCCCAACGCAGGACATCAGGTGAGGAGTGCATGGCTGGCCTGAACCCAAGGGACA-3'
Protein context (NP_112506.2, residues 38-58): RVPLSVQLKP[Glu48Ala]VSPTQDIRLW